The following is an entry in ClinVar:

NM_006302.3(MOGS):c.1153T>C (p.Ser385Pro)

Gene: MOGS (mannosyl-oligosaccharide glucosidase; minus strand). Cytogenetic location: 2p13.1.
Variant type: single nucleotide variant.
Coding change: c.1153T>C on transcript NM_006302.3 (MANE Select); coding-DNA position 1153, T replaced by C.
Protein change: p.Ser385Pro; replaces serine 385 with proline.
Molecular consequence: missense variant.
Genome position (GRCh38, 1-based): chr2:74,462,636, A>G on the plus strand (T>C on the coding strand, the complement: MOGS is on the minus strand). VCF-style: chr2-74462636-A-G. GRCh37 (hg19) VCF-style: chr2-74689763-A-G.
Other names: c.835T>C, p.Ser279Pro (NM_001146158.2); short protein forms S279P, S385P.
Identifiers: ClinVar variation 862053 (VCV000862053.9), dbSNP rs1225737728, ClinGen allele CA347376518.

ClinVar aggregate classification (germline): Uncertain significance (1 of 4 stars; one submission).

Conditions:
MOGS-congenital disorder of glycosylation. Also called: GLUCOSIDASE I DEFICIENCY; MOGS-CDG; CDG IIb; CDG 2B. Identifiers: Orphanet 79330, MedGen C1853736, MONDO:0011629, OMIM 606056.

Allele frequency attached by ClinVar (database versions not stated): gnomAD exomes below 0.00001 and 0.00001.
gnomAD v4.1: 5 of 1,614,222 alleles (0.00031%); highest among the groups gnomAD compares: Non-Finnish European, 0.00034%; no homozygotes.

Submission:

Labcorp Genetics (formerly Invitae), Labcorp
Classification: Uncertain significance for MOGS-congenital disorder of glycosylation. Last evaluated: 2019-12-11. Review status: criteria provided, single submitter. Criteria: Invitae Variant Classification Sherloc (09022015). Collection method: clinical testing. Allele origin: germline.
Comment: In summary, the available evidence is currently insufficient to determine the role of this variant in disease. Therefore, it has been classified as a Variant of Uncertain Significance. Algorithms developed to predict the effect of missense changes on protein structure and function output the following: SIFT: "Tolerated"; PolyPhen-2: "Benign"; Align-GVGD: "Class C0". The proline amino acid residue is found in multiple mammalian species, suggesting that this missense change does not adversely affect protein function. These predictions have not been confirmed by published functional studies and their clinical significance is uncertain. This variant has not been reported in the literature in individuals with MOGS-related conditions. This variant is not present in population databases (ExAC no frequency). This sequence change replaces serine with proline at codon 385 of the MOGS protein (p.Ser385Pro). The serine residue is weakly conserved and there is a moderate physicochemical difference between serine and proline.